The following is an entry in ClinVar:

NM_001348323.3(TRIP12):c.1391T>C (p.Phe464Ser)

Gene: TRIP12 (thyroid hormone receptor interactor 12; minus strand). Cytogenetic location: 2q36.3.
Variant type: single nucleotide variant.
Coding change: c.1391T>C on transcript NM_001348323.3 (MANE Select); coding-DNA position 1391, T replaced by C.
Protein change: p.Phe464Ser; replaces phenylalanine 464 with serine.
Molecular consequence: missense variant.
Genome position (GRCh38, 1-based): chr2:229,829,252, A>G on the plus strand (T>C on the coding strand, the complement: TRIP12 is on the minus strand). VCF-style: chr2-229829252-A-G. GRCh37 (hg19) VCF-style: chr2-230693968-A-G.
Other names: c.1391T>C, p.Phe464Ser (NM_001284214.2, NM_001348315.2, NM_001348319.1 and 11 more transcripts); c.1265T>C, p.Phe422Ser (NM_001284215.2, NM_001348316.2, NM_001348317.1 and 2 more transcripts); c.356T>C, p.Phe119Ser (NM_001284216.2); c.1304T>C, p.Phe435Ser (NM_001348332.1); c.1247T>C, p.Phe416Ser (NM_004238.3); short protein forms F119S, F416S, F422S, F435S, F464S.
Identifiers: ClinVar variation 2575625 (VCV002575625.1), dbSNP rs2473807794, ClinGen allele CA350883214.

ClinVar aggregate classification (germline): Uncertain significance (1 of 4 stars; one submission).

Submission:

GeneDx
Classification: Uncertain significance. Last evaluated: 2023-02-10. Review status: criteria provided, single submitter. Criteria: GeneDx Variant Classification Process June 2021. Collection method: clinical testing. Allele origin: germline. Affected: yes.
Comment: Not observed at significant frequency in large population cohorts (gnomAD); In silico analysis supports that this missense variant has a deleterious effect on protein structure/function; Has not been previously published as pathogenic or benign to our knowledge